The following is an entry in ClinVar:

NM_000077.5(CDKN2A):c.18del (p.Ser7fs)

Gene: CDKN2A (cyclin dependent kinase inhibitor 2A; minus strand). Cytogenetic location: 9p21.3.
Variant type: Deletion.
Coding change: c.18del on transcript NM_000077.5; coding-DNA position 18, one base deleted (G; older notation c.18delG).
Protein change: p.Ser7fs; shifts the reading frame from serine 7.
Molecular consequence: frameshift variant (on NM_000077.6). On other transcripts: intron variant (2).
Genome position (GRCh38, 1-based): chr9:21,974,810, C deleted on the plus strand (G on the coding strand, the reverse complement: CDKN2A is on the minus strand); the first of 4 consecutive C bases (chr9:21,974,810-21,974,813); deleting any one gives the same sequence. VCF-style (leftmost placement, unchanged base first): chr9-21974809-TC-T. GRCh37 (hg19) VCF-style: chr9-21974808-TC-T.
Other names: c.15delG, p.Ser7Alafs (NM_000077.6); c.18del, p.Ser7fs (NM_001195132.2, NM_058197.5); c.-3-3602del (NM_001363763.2); c.194-3602del (NM_058195.4); short protein forms S7fs.
Identifiers: ClinVar variation 4294202 (VCV004294202.1).

ClinVar aggregate classification (germline): Pathogenic (1 of 4 stars; one submission).

Conditions:
Melanoma-pancreatic cancer syndrome. Identifiers: Orphanet 404560, MedGen C1838547, MONDO:0011713, OMIM 606719. Disease mechanism: loss of function.

Submission:

Myriad Genetics, Inc.
Classification: Pathogenic for Melanoma-pancreatic cancer syndrome. Last evaluated: 2025-08-14. Review status: criteria provided, single submitter. Criteria: Myriad Autosomal Dominant, Autosomal Recessive and X-Linked Classification Criteria (2023). Collection method: clinical testing. Allele origin: unknown.
Comment: This variant is considered pathogenic. This variant creates a frameshift predicted to result in premature protein truncation.